The following is an entry in ClinVar:

NM_207122.2(EXT2):c.459_462del (p.Val154fs)

Gene: EXT2 (exostosin glycosyltransferase 2; plus strand). Cytogenetic location: 11p11.2.
Variant type: Microsatellite.
Coding change: c.459_462del on transcript NM_207122.2 (MANE Select); coding-DNA positions 459 to 462, 4 bases deleted (TGTT; older notation c.459_462delTGTT).
Protein change: p.Val154fs; shifts the reading frame from valine 154.
Molecular consequence: frameshift variant.
Genome position (GRCh38, 1-based): chr11:44,108,171-44,108,174, TGTT deleted; deleting any 4 consecutive bases within chr11:44,108,167-44,108,174 gives the same sequence; the c. name uses the placement nearest the transcript's 3' end. VCF-style (leftmost placement, unchanged base first): chr11-44108166-CTGTT-C. GRCh37 (hg19) VCF-style: chr11-44129716-CTGTT-C.
Other names: c.558_561del, p.Val187fs (NM_000401.3); c.459_462del, p.Val154fs (NM_001178083.3); c.459_462delTGTT (NM_207122.2, NM_207122.1); short protein forms V187fs, V154fs.
Identifiers: ClinVar variation 854619 (VCV000854619.12), dbSNP rs1954088614, ClinGen allele CA916081632.

ClinVar aggregate classification (germline): Pathogenic. Review status: criteria provided, multiple submitters, no conflicts (2 of 4 stars). 3 submissions from 3 submitters: Pathogenic (3). Last evaluated 2025-04-14.

Conditions:
Exostoses, multiple, type 2 (EXT2). Also called: EXOSTOSES, MULTIPLE, TYPE II; Hereditary Multiple Osteochondromatosis, Type II. Identifiers: Orphanet 321, MedGen C1851413, MONDO:0007586, OMIM 133701.

Submissions (3):

Molecular Pathology, Peter Maccallum Cancer Centre
Classification: Pathogenic for Exostoses, multiple, type 2. Last evaluated: 2025-04-14. Review status: criteria provided, single submitter. Criteria: ACMG Guidelines, 2015. Collection method: clinical testing. Allele origin: germline. Inheritance: Autosomal dominant inheritance.

Labcorp Genetics (formerly Invitae), Labcorp
Classification: Pathogenic for Exostoses, multiple, type 2. Last evaluated: 2024-04-02. Review status: criteria provided, single submitter. Criteria: Invitae Variant Classification Sherloc (09022015). Collection method: clinical testing. Allele origin: germline.
Comment: This sequence change creates a premature translational stop signal (p.Val154Profs*115) in the EXT2 gene. It is expected to result in an absent or disrupted protein product. Loss-of-function variants in EXT2 are known to be pathogenic (PMID: 10679937, 19810120). This variant is not present in population databases (gnomAD no frequency). This premature translational stop signal has been observed in individuals with hereditary multiple osteochondromas (PMID: 23262345, 24496678, 28922105). This variant is also known as c.455_458del. ClinVar contains an entry for this variant (Variation ID: 854619). Algorithms developed to predict the effect of sequence changes on RNA splicing suggest that this variant may disrupt the consensus splice site. For these reasons, this variant has been classified as Pathogenic.

Molecular Genetics, Royal Melbourne Hospital
Classification: Pathogenic for Exostoses, multiple, type 2. Last evaluated: 2023-08-01. Review status: criteria provided, single submitter. Criteria: ACMG Guidelines, 2015. Collection method: clinical testing. Allele origin: germline. Inheritance: Autosomal dominant inheritance. Affected: yes.
Comment: This sequence change in EXT2 is a frameshift variant predicted to cause a premature stop codon, p.(Val154Profs*115), in biologically relevant exon 5/14 leading to nonsense-mediated decay in a gene in which loss-of-function is an established disease mechanism. This variant is absent from the population database gnomAD v2.1 and v3.1. This variant has been reported in at least three unrelated probands diagnosed with EXT2-related hereditary multiple exostoses (PMID: 23262345, 24496678, 28922105). Based on the classification scheme RMH Modified ACMG/AMP Guidelines v1.6.1, this variant is classified as PATHOGENIC. Following criteria are met: PVS1, PM2_Supporting, PS4_Supporting.

Literature cited by the submitters: PubMed 10679937 (cited by Labcorp Genetics (formerly Invitae), Labcorp); PubMed 19810120 (cited by Labcorp Genetics (formerly Invitae), Labcorp); PubMed 23262345 (cited by Labcorp Genetics (formerly Invitae), Labcorp and Molecular Genetics, Royal Melbourne Hospital); PubMed 24496678 (cited by Labcorp Genetics (formerly Invitae), Labcorp and Molecular Genetics, Royal Melbourne Hospital); PubMed 28922105 (cited by Labcorp Genetics (formerly Invitae), Labcorp and Molecular Genetics, Royal Melbourne Hospital).